The following is an entry in ClinVar:

ClinVar aggregate classification (germline): Benign/Likely benign. Review status: criteria provided, multiple submitters, no conflicts (2 of 4 stars). 3 submissions from 3 submitters: Benign (1); Likely benign (2). Last evaluated 2025-05-27.

Conditions:
Hereditary cancer-predisposing syndrome. Also called: Neoplastic Syndromes, Hereditary; Hereditary neoplastic syndrome; Tumor predisposition; Hereditary Cancer Syndrome. Identifiers: Orphanet 140162, MedGen C0027672, MeSH D009386, MONDO:0015356.
Tuberous sclerosis 2 (TSC2). Identifiers: Orphanet 805, MedGen C1860707, MONDO:0013199, OMIM 613254.

gnomAD v4.1: 2 of 1,613,182 alleles (0.00012%); highest among the groups gnomAD compares: South Asian, 0.0011%; no homozygotes.

Submissions (3):

Myriad Genetics, Inc.
Classification: Benign for Tuberous sclerosis 2. Last evaluated: 2025-05-27. Review status: criteria provided, single submitter. Criteria: Myriad Autosomal Dominant, Autosomal Recessive and X-Linked Classification Criteria (2023). Collection method: clinical testing. Allele origin: unknown.
Comment: This variant is considered benign. This variant is a silent/synonymous amino acid change and it is not expected to impact splicing.

Ambry Genetics
Classification: Likely benign for Hereditary cancer-predisposing syndrome. Last evaluated: 2024-11-14. Review status: criteria provided, single submitter. Criteria: Ambry Variant Classification Scheme 2023. Collection method: clinical testing. Allele origin: germline.

Labcorp Genetics (formerly Invitae), Labcorp
Classification: Likely benign for Tuberous sclerosis 2. Last evaluated: 2021-07-12. Review status: criteria provided, single submitter. Criteria: Invitae Variant Classification Sherloc (09022015). Collection method: clinical testing. Allele origin: germline.

NM_000548.5(TSC2):c.2832C>T (p.Pro944=)

Gene: TSC2 (TSC complex subunit 2; plus strand). Cytogenetic location: 16p13.3.
Variant type: single nucleotide variant.
Coding change: c.2832C>T on transcript NM_000548.5 (MANE Select); coding-DNA position 2832, C replaced by T.
Protein change: p.Pro944=; no amino-acid change (proline 944 retained).
Molecular consequence: synonymous variant.
Genome position (GRCh38, 1-based): chr16:2,076,580, C>T. VCF-style: chr16-2076580-C-T. GRCh37 (hg19) VCF-style: chr16-2126581-C-T.
Other names: c.2832C>T, p.Pro944= (NM_001077183.3, NM_001114382.3, NM_001363528.2 and 3 more transcripts); c.2721C>T, p.Pro907= (NM_001318827.2); c.2685C>T, p.Pro895= (NM_001318829.2); c.2232C>T, p.Pro744= (NM_001318831.2); c.2865C>T, p.Pro955= (NM_001318832.2); c.2832C>T (NM_000548.3).
Identifiers: ClinVar variation 1674143 (VCV001674143.10), dbSNP rs2151396371, ClinGen allele CA492954687.